The following is an entry in ClinVar:

ClinVar aggregate classification (germline): Uncertain significance (1 of 4 stars; one submission).

Conditions:
Hereditary cancer-predisposing syndrome. Also called: Tumor predisposition; Hereditary neoplastic syndrome; Hereditary Cancer Syndrome; Neoplastic Syndromes, Hereditary. Identifiers: Orphanet 140162, MedGen C0027672, MeSH D009386, MONDO:0015356.

Allele frequency attached by ClinVar (database versions not stated): TOPMed below 0.00001.

Submission:

Ambry Genetics
Classification: Uncertain significance for Hereditary cancer-predisposing syndrome. Last evaluated: 2025-12-02. Review status: criteria provided, single submitter. Criteria: Ambry Variant Classification Scheme 2023. Collection method: clinical testing. Allele origin: germline.
Comment: The p.P220S variant (also known as c.658C>T), located in coding exon 3 of the PHOX2B gene, results from a C to T substitution at nucleotide position 658. The proline at codon 220 is replaced by serine, an amino acid with similar properties. This amino acid position is conserved. In addition, this alteration is predicted to be tolerated by in silico analysis. Based on the available evidence, the clinical significance of this variant remains unclear.

NM_003924.4(PHOX2B):c.658C>T (p.Pro220Ser)

Gene: PHOX2B (paired like homeobox 2B; minus strand). Cytogenetic location: 4p13.
Variant type: single nucleotide variant.
Coding change: c.658C>T on transcript NM_003924.4 (MANE Select); coding-DNA position 658, C replaced by T.
Protein change: p.Pro220Ser; replaces proline 220 with serine.
Molecular consequence: missense variant.
Genome position (GRCh38, 1-based): chr4:41,746,094, G>A on the plus strand (C>T on the coding strand, the complement: PHOX2B is on the minus strand). VCF-style: chr4-41746094-G-A. GRCh37 (hg19) VCF-style: chr4-41748111-G-A.
Other names: short protein forms P220S.
Identifiers: ClinVar variation 3223593 (VCV003223593.2), dbSNP rs1733887255, ClinGen allele CA356737475.
Genomic context (GRCh38, chr4:41,746,094, plus strand): 5'-CGCCCTTGCCGGGTTCGCCTCCCGGGCCCCCGGGCCCCGCCGCCCCCGGAGCTCCAGCCG[G>A]GCTGGGCCCGCCGCCGCCGCCTCCATTCGCCCCGCAGCTGGGGGTGGGGTTGGGATTGGG-3'
Protein context (NP_003915.2, residues 210-230): ANGGGGGGPS[Pro220Ser]AGAPGAAGPG